The following is an entry in ClinVar:

ClinVar aggregate classification (germline): Uncertain significance (1 of 4 stars; one submission).

Allele frequency attached by ClinVar (database versions not stated): gnomAD exomes 0.00001.
gnomAD v4.1: 15 of 1,551,426 alleles (0.00097%); highest among the groups gnomAD compares: Non-Finnish European, 0.0013%; no homozygotes.

Submission:

Labcorp Genetics (formerly Invitae), Labcorp
Classification: Uncertain significance. Last evaluated: 2025-10-20. Review status: criteria provided, single submitter. Criteria: Invitae Variant Classification Sherloc (09022015). Collection method: clinical testing. Allele origin: germline.
Comment: This sequence change replaces aspartic acid, which is acidic and polar, with asparagine, which is neutral and polar, at codon 1783 of the EYS protein (p.Asp1783Asn). This variant is present in population databases (no rsID available, gnomAD 0.002%). This variant has not been reported in the literature in individuals affected with EYS-related conditions. ClinVar contains an entry for this variant (Variation ID: 1006639). Invitae Evidence Modeling of protein sequence and biophysical properties (such as structural, functional, and spatial information, amino acid conservation, physicochemical variation, residue mobility, and thermodynamic stability) indicates that this missense variant is expected to disrupt EYS protein function with a positive predictive value of 80%. In summary, the available evidence is currently insufficient to determine the role of this variant in disease. Therefore, it has been classified as a Variant of Uncertain Significance.

NM_001142800.2(EYS):c.5347G>A (p.Asp1783Asn)

Gene: EYS (EGF-like photoreceptor maintenance factor; minus strand). Cytogenetic location: 6q12.
Variant type: single nucleotide variant.
Coding change: c.5347G>A on transcript NM_001142800.2 (MANE Select); coding-DNA position 5347, G replaced by A.
Protein change: p.Asp1783Asn; replaces aspartic acid 1783 with asparagine.
Molecular consequence: missense variant.
Genome position (GRCh38, 1-based): chr6:64,590,520, C>T on the plus strand (G>A on the coding strand, the complement: EYS is on the minus strand). VCF-style: chr6-64590520-C-T. GRCh37 (hg19) VCF-style: chr6-65300413-C-T.
Other names: c.5347G>A, p.Asp1783Asn (NM_001292009.2); short protein forms D1783N.
Identifiers: ClinVar variation 1006639 (VCV001006639.5), dbSNP rs1167122731, ClinGen allele CA364781301.
Genomic context (GRCh38, chr6:64,590,520, plus strand): 5'-AAAGTGCTGGAGTTGCTGAAACTGTATAAAATGCAACATTGGTGGTGACTTCTGAAAAAT[C>T]AGGCACTGAGCCTGTCAATGGTGGCAGATTATTTTTGAAGTCATTTGCATGTGTAATTTC-3'
Protein context (NP_001136272.1, residues 1773-1793): NLPPLTGSVP[Asp1783Asn]FSEVTTNVAF